The following is an entry in ClinVar:

NM_004618.5(TOP3A):c.869_870insA (p.Phe291fs)

Gene: TOP3A (DNA topoisomerase III alpha; minus strand). Cytogenetic location: 17p11.2.
Variant type: Insertion.
Coding change: c.869_870insA on transcript NM_004618.5 (MANE Select); coding-DNA positions 869 to 870, A inserted.
Protein change: p.Phe291fs; shifts the reading frame from phenylalanine 291.
Molecular consequence: frameshift variant.
Genome position: GRCh38 VCF-style: chr17-18301930-G-GT. GRCh37 (hg19) VCF-style: chr17-18205244-G-GT.
Other names: c.584_585insA, p.Phe196fs (NM_001320759.2); short protein forms F291fs, F196fs.
Identifiers: ClinVar variation 4980121 (VCV004980121.1).

ClinVar aggregate classification (germline): Likely pathogenic (1 of 4 stars; one submission).

Conditions:
TOP3A-related disorder. Also called: TOP3A-related condition; TOP3A-related disorders.

Submission:

PreventionGenetics, part of Exact Sciences
Classification: Likely pathogenic for TOP3A-related condition. Last evaluated: 2025-08-18. Review status: criteria provided, single submitter. Criteria: ACMG Guidelines, 2015. Collection method: clinical testing. Allele origin: germline.
Comment: The TOP3A c.869_870insA variant is predicted to result in a frameshift and premature protein termination (p.Phe291Leufs*2). To our knowledge, this variant has not been reported in the literature. This variant is reported in 0.0023% of alleles in individuals of European (Non-Finnish) descent in gnomAD. Frameshift variants in TOP3A are expected to be pathogenic. This variant is interpreted as likely pathogenic.